The following is an entry in ClinVar:

ClinVar aggregate classification (germline): Pathogenic. Review status: reviewed by expert panel (3 of 4 stars). 4 submissions from 4 submitters: Pathogenic (1). 3 of the submissions do not count toward it. Last evaluated 2023-10-15.

Conditions:
Phenylketonuria (PKU). Also called: Phenylketonuria (PKU); FOLLING DISEASE; OLIGOPHRENIA PHENYLPYRUVICA; Phenylketonurias. Identifiers: Orphanet 716, MedGen C0031485, MONDO:0009861, OMIM 261600. Disease mechanism: loss of function.

Submissions (4):

ClinGen PAH Variant Curation Expert Panel
Classification: Pathogenic for Phenylketonuria. Last evaluated: 2023-10-15. Review status: reviewed by expert panel. Criteria: ClinGen PAH ACMG Specifications v1. Collection method: curation. Allele origin: germline. Inheritance: Autosomal recessive inheritance.
Comment: The c.1127del (p.Asn376fs) variant in PAH is a frameshift variant predicted to cause a premature stop codon in biologically relevant exon 11/13 leading to nonsense mediated decay in a gene in which loss-of-function is an established disease mechanism (PVS1). This variant has an extremely low frequency in gnomAD (MAF=0.00002895). In summary, this variant meets the criteria to be classified as pathogenic for PAH deficiency based on the ACMG/AMP criteria applied, as specified by the ClinGen PAH VCEP: PVS1, PM2_supporting, PM3_supporting, PP4.

Baylor Genetics
Classification: Pathogenic for Phenylketonuria. Last evaluated: 2024-02-23. Review status: criteria provided, single submitter. Criteria: ACMG Guidelines, 2015. Collection method: clinical testing. Allele origin: unknown. Not counted in ClinVar's aggregate classification.

Labcorp Genetics (formerly Invitae), Labcorp
Classification: Pathogenic for Phenylketonuria. Last evaluated: 2023-04-12. Review status: criteria provided, single submitter. Criteria: Invitae Variant Classification Sherloc (09022015). Collection method: clinical testing. Allele origin: germline. Not counted in ClinVar's aggregate classification.
Comment: For these reasons, this variant has been classified as Pathogenic. ClinVar contains an entry for this variant (Variation ID: 102532). This premature translational stop signal has been observed in individual(s) with phenylketonuria (PMID: 24941924). This variant is present in population databases (rs62642921, gnomAD 0.003%). This sequence change creates a premature translational stop signal (p.Asn376Ilefs*24) in the PAH gene. It is expected to result in an absent or disrupted protein product. Loss-of-function variants in PAH are known to be pathogenic (PMID: 1301187, 9634518).

DeBelle Laboratory for Biochemical Genetics, MUHC/MCH RESEARCH INSTITUTE
No classification provided. Review status: no classification provided. Collection method: not provided. Allele origin: not provided. Not counted in ClinVar's aggregate classification.

Literature cited by the submitters: PubMed 24941924 (cited by Labcorp Genetics (formerly Invitae), Labcorp); PubMed 1301187 (cited by Labcorp Genetics (formerly Invitae), Labcorp); PubMed 9634518 (cited by Labcorp Genetics (formerly Invitae), Labcorp).

NM_000277.3(PAH):c.1127del (p.Asn376fs)

Gene: PAH (phenylalanine hydroxylase; minus strand). Cytogenetic location: 12q23.2.
Variant type: Deletion.
Coding change: c.1127del on transcript NM_000277.3 (MANE Select); coding-DNA position 1127, one base deleted (A; older notation c.1127delA).
Protein change: p.Asn376fs; shifts the reading frame from asparagine 376.
Molecular consequence: frameshift variant.
Genome position (GRCh38, 1-based): chr12:102,843,718, T deleted on the plus strand (A on the coding strand, the reverse complement: PAH is on the minus strand); the first of 4 consecutive T bases (chr12:102,843,718-102,843,721); deleting any one gives the same sequence. VCF-style (leftmost placement, unchanged base first): chr12-102843717-AT-A. GRCh37 (hg19) VCF-style: chr12-103237495-AT-A.
Other names: NM_000277.3(PAH):c.1127del; p.Asn376fs; c.1127del, p.Asn376fs (NM_001354304.2); short protein forms N376fs.
Identifiers: ClinVar variation 102532 (VCV000102532.8), dbSNP rs62642921, ClinGen allele CA229355.
Genomic context (GRCh38, chr12:102,843,717, plus strand): 5'-CTTGGCATCATTAAAACTCTCTGCCACGTAATAGAGGGGCTGGAACTCCGTGACAGTGTA[AT>A]TTTGGATGGCTGTCTTCTCCAGCTCCAGGGGGAGAAGCTTTGGCTTCTCTGATAAGCAGT-3'